The following is an entry in ClinVar:

NM_000059.4(BRCA2):c.5014dup (p.Tyr1672fs)

Gene: BRCA2 (BRCA2 DNA repair associated; plus strand). Cytogenetic location: 13q13.1.
Variant type: Duplication.
Coding change: c.5014dup on transcript NM_000059.4 (MANE Select); coding-DNA position 5014, one base duplicated (T; older notation c.5014dupT).
Protein change: p.Tyr1672fs; shifts the reading frame from tyrosine 1672.
Molecular consequence: frameshift variant.
Genome position (GRCh38, 1-based): chr13:32,339,369, T duplicated; the last of 5 consecutive T bases (chr13:32,339,365-32,339,369); duplicating any one gives the same sequence. VCF-style (leftmost placement, unchanged base first): chr13-32339364-C-CT. GRCh37 (hg19) VCF-style: chr13-32913501-C-CT.
Other names: c.5014dupT (NM_000059.3); short protein forms Y1672fs.
Identifiers: ClinVar variation 51755 (VCV000051755.3), dbSNP rs397507755, ClinGen allele CA021132.
Genomic context (GRCh38, chr13:32,339,364, plus strand): 5'-GTCCTGCAACTTGTTACACAAATCAGTCCCCTTATTCAGTCATTGAAAATTCAGCCTTAG[C>CT]TTTTTACACAAGTTGTAGTAGAAAAACTTCTGTGAGTCAGACTTCATTACTTGAAGCAAA-3'

ClinVar aggregate classification (germline): Pathogenic. Review status: reviewed by expert panel (3 of 4 stars). 2 submissions from 2 submitters: Pathogenic (1). 1 of the submissions does not count toward it. Last evaluated 2017-12-15.

Conditions:
Hereditary breast ovarian cancer syndrome. Also called: Hereditary breast and ovarian cancer syndrome; Hereditary breast and ovarian cancer; Hereditary breast and ovarian cancer syndrome (HBOC); Breast and ovarian cancer; Hereditary breast and/or ovarian cancer syndrome; BRCA1- and BRCA2-Associated Hereditary Breast and Ovarian Cancer. Identifiers: Orphanet 145, MedGen C0677776, MeSH D061325, MONDO:0003582. Disease mechanism: loss of function.
Breast-ovarian cancer, familial, susceptibility to, 2 (BROVCA2). Also called: BRCA2 Hereditary Breast and Ovarian Cancer. Identifiers: Orphanet 145, MedGen C2675520, MONDO:0012933, OMIM 612555. Disease mechanism: loss of function.

Submissions (2):

Evidence-based Network for the Interpretation of Germline Mutant Alleles (ENIGMA)
Classification: Pathogenic for Breast-ovarian cancer, familial, susceptibility to, 2. Last evaluated: 2017-12-15. Review status: reviewed by expert panel. Criteria: ENIGMA BRCA1/2 Classification Criteria (2017-06-29). Collection method: curation. Allele origin: germline. Study: ENIGMA.
Comment: Variant allele predicted to encode a truncated non-functional protein.

Research Molecular Genetics Laboratory, Women's College Hospital, University of Toronto
Classification: Pathogenic for Hereditary breast ovarian cancer syndrome. Last evaluated: 2014-01-31. Review status: no assertion criteria provided. Collection method: research. Allele origin: germline. Affected: yes. Study: The Canadian Open Genetics Repository (COGR). Not counted in ClinVar's aggregate classification.